The following is an entry in ClinVar:

NM_000238.4(KCNH2):c.1660_1661del (p.Met554fs)

Gene: KCNH2 (potassium voltage-gated channel subfamily H member 2; minus strand). Cytogenetic location: 7q36.1.
Variant type: Deletion.
Coding change: c.1660_1661del on transcript NM_000238.4 (MANE Select); coding-DNA positions 1660 to 1661, 2 bases deleted (AT; older notation c.1660_1661delAT).
Protein change: p.Met554fs; shifts the reading frame from methionine 554.
Molecular consequence: frameshift variant.
Genome position (GRCh38, 1-based): chr7:150,951,732-150,951,733, AT deleted on the plus strand (AT on the coding strand, the reverse complement: KCNH2 is on the minus strand). VCF-style (leftmost placement, unchanged base first): chr7-150951731-CAT-C. GRCh37 (hg19) VCF-style: chr7-150648819-CAT-C.
Other names: c.640_641del, p.Met214fs (NM_001204798.2, NM_172057.3); c.1372_1373delAT, p.Met458Valfs (NM_001406753.1, NM_001406756.1); c.1483_1484delAT, p.Met495Valfs (NM_001406755.1); c.1360_1361delAT, p.Met454Valfs (NM_001406757.1); c.1660_1661delAT, p.Met554Valfs (NM_172056.3); short protein forms M214fs, M554fs.
Identifiers: ClinVar variation 1777473 (VCV001777473.2), dbSNP rs2486039285, ClinGen allele CA2580077803.

ClinVar aggregate classification (germline): Pathogenic (1 of 4 stars; one submission).

Conditions:
Cardiovascular phenotype. Identifiers: MedGen CN230736.

Submission:

Ambry Genetics
Classification: Pathogenic for Cardiovascular phenotype. Last evaluated: 2018-05-08. Review status: criteria provided, single submitter. Criteria: Ambry Variant Classification Scheme 2023. Collection method: clinical testing. Allele origin: germline.
Comment: The c.1660_1661delAT pathogenic mutation, located in coding exon 7 of the KCNH2 gene, results from a deletion of two nucleotides at nucleotide positions 1660 to 1661, causing a translational frameshift with a predicted alternate stop codon (p.M554Vfs*100). This alteration has been reported in association with long QT syndrome (LQTS) (Shimizu W et al. J. Am. Coll. Cardiol., 2009 Nov;54:2052-62). In addition to the clinical data presented in the literature, this alteration is expected to result in loss of function by premature protein truncation or nonsense-mediated mRNA decay. As such, this alteration is interpreted as a disease-causing mutation.

Literature cited by the submitters: PubMed 19926013.